The following is an entry in ClinVar:

ClinVar aggregate classification (germline): Uncertain significance (1 of 4 stars; one submission).

Submission:

GeneDx
Classification: Uncertain significance. Last evaluated: 2025-11-05. Review status: criteria provided, single submitter. Criteria: GeneDx Variant Classification Process June 2021. Collection method: clinical testing. Allele origin: germline.
Comment: In silico analysis supports that this missense variant has a deleterious effect on protein structure/function; Has not been previously published as pathogenic or benign to our knowledge

NM_001110556.2(FLNA):c.3416T>A (p.Leu1139His)

Gene: FLNA (filamin A; minus strand). Cytogenetic location: Xq28.
Variant type: single nucleotide variant.
Coding change: c.3416T>A on transcript NM_001110556.2 (MANE Select); coding-DNA position 3416, T replaced by A.
Protein change: p.Leu1139His; replaces leucine 1139 with histidine.
Molecular consequence: missense variant.
Genome position (GRCh38, 1-based): chrX:154,360,379, A>T on the plus strand (T>A on the coding strand, the complement: FLNA is on the minus strand). VCF-style: chrX-154360379-A-T. GRCh37 (hg19) VCF-style: chrX-153588747-A-T.
Other names: c.3416T>A, p.Leu1139His (NM_001456.4); short protein forms L1139H.
Identifiers: ClinVar variation 3359502 (VCV003359502.2).